The following is an entry in ClinVar:

NM_024548.4(CEP97):c.674G>T (p.Ser225Ile)

Gene: CEP97 (centrosomal protein 97; plus strand). Cytogenetic location: 3q12.3.
Variant type: single nucleotide variant.
Coding change: c.674G>T on transcript NM_024548.4 (MANE Select); coding-DNA position 674, G replaced by T.
Protein change: p.Ser225Ile; replaces serine 225 with isoleucine.
Molecular consequence: missense variant.
Genome position (GRCh38, 1-based): chr3:101,732,600, G>T. VCF-style: chr3-101732600-G-T. GRCh37 (hg19) VCF-style: chr3-101451444-G-T.
Other names: c.674G>T, p.Ser225Ile (NM_001303401.2); c.572G>T, p.Ser191Ile (NM_001410784.1, NM_001410785.1); short protein forms S225I, S191I.
Identifiers: ClinVar variation 3661412 (VCV003661412.2).

ClinVar aggregate classification (germline): Uncertain significance (1 of 4 stars; one submission).

Submission:

Labcorp Genetics (formerly Invitae), Labcorp
Classification: Uncertain significance. Last evaluated: 2024-08-04. Review status: criteria provided, single submitter. Criteria: Invitae Variant Classification Sherloc (09022015). Collection method: clinical testing. Allele origin: germline.
Comment: This sequence change replaces serine, which is neutral and polar, with isoleucine, which is neutral and non-polar, at codon 225 of the CEP97 protein (p.Ser225Ile). This variant is not present in population databases (gnomAD no frequency). This variant has not been reported in the literature in individuals affected with CEP97-related conditions. Advanced modeling of protein sequence and biophysical properties (such as structural, functional, and spatial information, amino acid conservation, physicochemical variation, residue mobility, and thermodynamic stability) has been performed at Invitae for this missense variant, however the output from this modeling did not meet the statistical confidence thresholds required to predict the impact of this variant on CEP97 protein function. In summary, the available evidence is currently insufficient to determine the role of this variant in disease. Therefore, it has been classified as a Variant of Uncertain Significance.